The following is an entry in ClinVar:

ClinVar aggregate classification (germline): Uncertain significance (1 of 4 stars; one submission).

gnomAD v4.1: 3 of 1,613,838 alleles (0.00019%); highest among the groups gnomAD compares: Non-Finnish European, 0.00025%; no homozygotes.

Submission:

Labcorp Genetics (formerly Invitae), Labcorp
Classification: Uncertain significance. Last evaluated: 2024-09-27. Review status: criteria provided, single submitter. Criteria: Invitae Variant Classification Sherloc (09022015). Collection method: clinical testing. Allele origin: germline.
Comment: This sequence change replaces glutamic acid, which is acidic and polar, with lysine, which is basic and polar, at codon 1224 of the MYH3 protein (p.Glu1224Lys). This variant is present in population databases (no rsID available, gnomAD 0.0009%). This variant has not been reported in the literature in individuals affected with MYH3-related conditions. Invitae Evidence Modeling of protein sequence and biophysical properties (such as structural, functional, and spatial information, amino acid conservation, physicochemical variation, residue mobility, and thermodynamic stability) indicates that this missense variant is not expected to disrupt MYH3 protein function with a negative predictive value of 95%. In summary, the available evidence is currently insufficient to determine the role of this variant in disease. Therefore, it has been classified as a Variant of Uncertain Significance.

NM_002470.4(MYH3):c.3670G>A (p.Glu1224Lys)

Gene: MYH3 (myosin heavy chain 3; minus strand). Cytogenetic location: 17p13.1.
Variant type: single nucleotide variant.
Coding change: c.3670G>A on transcript NM_002470.4 (MANE Select); coding-DNA position 3670, G replaced by A.
Protein change: p.Glu1224Lys; replaces glutamic acid 1224 with lysine.
Molecular consequence: missense variant.
Genome position (GRCh38, 1-based): chr17:10,638,102, C>T on the plus strand (G>A on the coding strand, the complement: MYH3 is on the minus strand). VCF-style: chr17-10638102-C-T. GRCh37 (hg19) VCF-style: chr17-10541419-C-T.
Other names: short protein forms E1224K.
Identifiers: ClinVar variation 3696290 (VCV003696290.2).
Genomic context (GRCh38, chr17:10,638,102, plus strand): 5'-CCTTAGATTTCGACACACTCTCCATGCTGCTGGAGAGGTCATCGATCTCCAGCTTGAACT[C>T]GCTCTTCTCCTTCTCCAGCTTCTGCTTGACCCGCTGCAGGTTGTCAATCTGCTCCCCAAG-3'
Protein context (NP_002461.2, residues 1214-1234): VKQKLEKEKS[Glu1224Lys]FKLEIDDLSS